The following is an entry in ClinVar:

ClinVar aggregate classification (germline): Pathogenic (1 of 4 stars; one submission).

Conditions:
X-linked Emery-Dreifuss muscular dystrophy. Also called: Muscular dystrophy, tardive Emery-Dreifuss type, with contractures. Identifiers: Orphanet 261, Orphanet 98863, MedGen C0751337, MONDO:0010680.

Submission:

Labcorp Genetics (formerly Invitae), Labcorp
Classification: Pathogenic for X-linked Emery-Dreifuss muscular dystrophy. Last evaluated: 2022-03-18. Review status: criteria provided, single submitter. Criteria: Invitae Variant Classification Sherloc (09022015). Collection method: clinical testing. Allele origin: germline.
Comment: This sequence change creates a premature translational stop signal (p.Met73Ilefs*50) in the EMD gene. It is expected to result in an absent or disrupted protein product. Loss-of-function variants in EMD are known to be pathogenic (PMID: 24365856). This variant is not present in population databases (gnomAD no frequency). This variant has not been reported in the literature in individuals affected with EMD-related conditions. For these reasons, this variant has been classified as Pathogenic.

Literature cited by the submitters: PubMed 24365856.

NM_000117.3(EMD):c.217_218dup (p.Met73fs)

Gene: EMD (emerin; plus strand). Cytogenetic location: Xq28.
Variant type: Microsatellite.
Coding change: c.217_218dup on transcript NM_000117.3 (MANE Select); coding-DNA positions 217 to 218, 2 bases duplicated (AT; older notation c.217_218dupAT).
Protein change: p.Met73fs; shifts the reading frame from methionine 73.
Molecular consequence: frameshift variant.
Genome position (GRCh38, 1-based): chrX:154,379,971-154,379,972, AT duplicated; duplicating any 2 consecutive bases within chrX:154,379,969-154,379,972 gives the same sequence; the c. name uses the placement nearest the transcript's 3' end. VCF-style (leftmost placement, unchanged base first): chrX-154379968-G-GAT. GRCh37 (hg19) VCF-style: chrX-153608328-G-GAT.
Other names: short protein forms M73fs.
Identifiers: ClinVar variation 531732 (VCV000531732.8), dbSNP rs1557182364, ClinGen allele CA658799914.